The following is an entry in ClinVar:

ClinVar aggregate classification (germline): Likely pathogenic (1 of 4 stars; one submission).

Conditions:
Atrial septal defect 2 (ASD2). Identifiers: Orphanet 1478, MedGen C1842778, MONDO:0011938, OMIM 607941.

Submission:

MVZ Medizinische Genetik Mainz
Classification: Likely pathogenic for Atrial septal defect 2. Last evaluated: 2022-06-07. Review status: criteria provided, single submitter. Criteria: UK Practice Guidelines For Variant Classification V4 01 2020. Collection method: clinical testing. Allele origin: germline. Inheritance: Autosomal dominant inheritance. Affected: yes. Observed: 1 variant allele.
Comment: ACMG Criteria: PM6, PM1_SUP, PM2_SUP, PP3, PP4

NM_001308093.3(GATA4):c.896A>G (p.Tyr299Cys)

Gene: GATA4 (GATA binding protein 4). Cytogenetic location: 8p23.1.
Variant type: single nucleotide variant.
Coding change: c.896A>G on transcript NM_001308093.3 (MANE Select); coding-DNA position 896, A replaced by G.
Protein change: p.Tyr299Cys; replaces tyrosine 299 with cysteine.
Molecular consequence: missense variant. On other transcripts: intron variant (1).
Genome position (GRCh38, 1-based): chr8:11,750,220, A>G. VCF-style: chr8-11750220-A-G. GRCh37 (hg19) VCF-style: chr8-11607729-A-G.
Other names: c.275A>G, p.Tyr92Cys (NM_001308094.2, NM_001374273.1); c.893A>G, p.Tyr298Cys (NM_002052.5); c.165+1135A>G (NM_001374274.1); short protein forms Y298C, Y299C, Y92C.
Identifiers: ClinVar variation 3066303 (VCV003066303.1), dbSNP rs2486975103, ClinGen allele CA370313125.